The following is an entry in ClinVar:

NM_000071.3(CBS):c.162G>A (p.Trp54Ter)

Gene: CBS (cystathionine beta-synthase; minus strand). Cytogenetic location: 21q22.3.
Variant type: single nucleotide variant.
Coding change: c.162G>A on transcript NM_000071.3 (MANE Select); coding-DNA position 162, G replaced by A.
Protein change: p.Trp54Ter; replaces tryptophan 54 with a stop codon.
Molecular consequence: nonsense.
Genome position (GRCh38, 1-based): chr21:43,072,032, C>T on the plus strand (G>A on the coding strand, the complement: CBS is on the minus strand). VCF-style: chr21-43072032-C-T. GRCh37 (hg19) VCF-style: chr21-44492142-C-T.
Other names: c.162G>A, p.Trp54Ter (NM_001178008.3, NM_001178009.3, NM_001320298.2); short protein forms W54*.
Identifiers: ClinVar variation 212873 (VCV000212873.18), dbSNP rs199948079, ClinGen allele CA321707.

ClinVar aggregate classification (germline): Pathogenic/Likely pathogenic. Review status: criteria provided, multiple submitters, no conflicts (2 of 4 stars). 4 submissions from 4 submitters: Pathogenic (2); Likely pathogenic (1). 1 of the submissions does not count toward it. Last evaluated 2025-10-06.

Conditions:
Homocystinuria. Identifiers: MedGen C0019880, MONDO:0004737, HP:0002156.
Classic homocystinuria. Also called: HOMOCYSTINURIA WITH OR WITHOUT RESPONSE TO PYRIDOXINE; Homocystinuria due to Cystathionine Beta-Synthase Deficiency; Homocystinuria due to CBS deficiency; Cystathionine beta-synthase deficiency; CBS deficiency. Identifiers: Orphanet 394, MedGen C0751202, MONDO:0009352, OMIM 236200.
HYPERHOMOCYSTEINEMIA, THROMBOTIC, CBS-RELATED. Identifiers: MedGen C3150344, OMIM 236200.

Submissions (4):

Natera, Inc.
Classification: Pathogenic for Homocystinuria due to cystathionine beta-synthase deficiency. Last evaluated: 2025-10-06. Review status: criteria provided, single submitter. Criteria: Natera Variant Classification Schema (03/2026). Collection method: clinical testing. Allele origin: germline.
Comment: The c.162G>A variant in CBS is a nonsense variant predicted to introduce a stop codon at amino acid 54. This variant is expected to result in nonsense mediated decay, truncation, or a dysfunctional protein product. This variant is rare in the general population with a frequency below the threshold expected for the associated phenotype(s). This variant has been observed in one or more individuals affected with the associated recessive disease, as either homozygous or compound heterozygous with a second variant (PMID: 30873612). Given the available evidence, this variant is classified as Pathogenic.

Labcorp Genetics (formerly Invitae), Labcorp
Classification: Pathogenic for HYPERHOMOCYSTEINEMIA, THROMBOTIC, CBS-RELATED. Last evaluated: 2024-03-04. Review status: criteria provided, single submitter. Criteria: Invitae Variant Classification Sherloc (09022015). Collection method: clinical testing. Allele origin: germline.
Comment: This sequence change creates a premature translational stop signal (p.Trp54*) in the CBS gene. It is expected to result in an absent or disrupted protein product. Loss-of-function variants in CBS are known to be pathogenic (PMID: 10338090, 12124992). This variant is not present in population databases (gnomAD no frequency). This variant has not been reported in the literature in individuals affected with CBS-related conditions. ClinVar contains an entry for this variant (Variation ID: 212873). For these reasons, this variant has been classified as Pathogenic.

Women's Health and Genetics/Laboratory Corporation of America, LabCorp
Classification: Likely pathogenic for Homocystinuria. Last evaluated: 2022-07-21. Review status: criteria provided, single submitter. Criteria: LabCorp Variant Classification Summary - May 2015. Collection method: clinical testing. Allele origin: germline.
Comment: Variant summary: CBS c.162G>A (p.Trp54X) results in a premature termination codon, predicted to cause a truncation of the encoded protein or absence of the protein due to nonsense mediated decay, which are commonly known mechanisms for disease. The variant was absent in 250454 control chromosomes (gnomAD). c.162G>A has been reported in the literature in at least one individual affected with Homocystinuria (Van Hove_2019). Three ClinVar submitters (evaluation after 2014) cite the variant as pathogenic/likely pathogenic and one ClinVar submitter (evaluation after 2014) cites it as uncertain significance. Based on the evidence outlined above, the variant was classified as likely pathogenic.

Counsyl
Classification: Likely pathogenic for Classic homocystinuria. Last evaluated: 2015-12-07. Review status: no assertion criteria provided. Collection method: clinical testing. Allele origin: unknown. Not counted in ClinVar's aggregate classification.

Literature cited by the submitters: PubMed 30873612 (cited by Natera, Inc. and Women's Health and Genetics/Laboratory Corporation of America, LabCorp); PubMed 10338090 (cited by Labcorp Genetics (formerly Invitae), Labcorp); PubMed 12124992 (cited by Labcorp Genetics (formerly Invitae), Labcorp); PubMed 21957013 (cited by Women's Health and Genetics/Laboratory Corporation of America, LabCorp).